The following is an entry in ClinVar:

ClinVar aggregate classification (germline): Pathogenic. Review status: criteria provided, multiple submitters, no conflicts (2 of 4 stars). 2 submissions from 2 submitters: Pathogenic (2). Last evaluated 2019-07-01.

Conditions:
DICER1-related tumor predisposition. Also called: DICER1 syndrome; DICER1-related pleuropulmonary blastoma cancer predisposition syndrome. Identifiers: Orphanet 284343, MedGen C3839822, MONDO:0100216.

Submissions (2):

Foulkes Cancer Genetics LDI, Lady Davis Institute for Medical Research
Classification: Pathogenic for Pleuropulmonary blastoma. Last evaluated: 2019-07-01. Review status: criteria provided, single submitter. Criteria: ACMG Guidelines, 2015. Collection method: curation. Allele origin: germline. Affected: yes. Observed: 1 variant allele.
Comment: ACMG criteria met: PVS1, PM2, PP4

International Pleuropulmonary Blastoma Registry, Children's Hospitals and Clinics of Minnesota
Classification: Pathogenic for Pleuropulmonary blastoma. Last evaluated: 2014-11-10. Review status: criteria provided, single submitter. Criteria: Hill et al. (Science. 2009). Collection method: clinical testing. Allele origin: germline. Affected: yes. Study: PPB-DICER1 Genetic study.

Literature cited by the submitters: PubMed 24617712 (cited by Foulkes Cancer Genetics LDI, Lady Davis Institute for Medical Research); PubMed 26925222 (cited by International Pleuropulmonary Blastoma Registry, Children's Hospitals and Clinics of Minnesota).

NM_177438.3(DICER1):c.3579_3580del (p.Asn1193fs)

Gene: DICER1 (dicer 1, ribonuclease III; minus strand). Cytogenetic location: 14q32.13.
Variant type: Deletion.
Coding change: c.3579_3580del on transcript NM_177438.3 (MANE Select); coding-DNA positions 3579 to 3580, 2 bases deleted (CA; older notation c.3579_3580delCA).
Protein change: p.Asn1193fs; shifts the reading frame from asparagine 1193.
Molecular consequence: frameshift variant.
Genome position (GRCh38, 1-based): chr14:95,103,816-95,103,817, TG deleted on the plus strand (CA on the coding strand, the reverse complement: DICER1 is on the minus strand); deleting any 2 consecutive bases within chr14:95,103,816-95,103,818 gives the same sequence; the c. name uses the placement nearest the transcript's 3' end. VCF-style (leftmost placement, unchanged base first): chr14-95103815-CTG-C. GRCh37 (hg19) VCF-style: chr14-95570152-CTG-C.
Other names: c.3579_3580delCA (NM_177438.2); c.3579_3580del, p.Asn1193fs (NM_001195573.1, NM_001271282.3, NM_001291628.2 and 1 more transcripts); short protein forms N1193fs.
Identifiers: ClinVar variation 254324 (VCV000254324.4), dbSNP rs886037705, ClinGen allele CA10586426.
Genomic context (GRCh38, chr14:95,103,815, plus strand): 5'-GTTGGTTGCACGGGTATTTCCTGCTTGTAGTAATTTAGCTGATTTCCTTGGCAAAAGTCT[CTG>C]TTAGCTAAATCATAACTGCCATTGGCGAGATTTTGATTGTAAGAAAGACCATTAATTGCT-3'